The following is an entry in ClinVar:

ClinVar aggregate classification (germline): Conflicting classifications of pathogenicity. Review status: criteria provided, conflicting classifications (1 of 4 stars). 5 submissions from 5 submitters: Uncertain significance (3); Likely benign (1). 1 of the submissions does not count toward it. Last evaluated 2026-03-24.

Conditions:
Hereditary cancer-predisposing syndrome. Also called: Tumor predisposition; Neoplastic Syndromes, Hereditary; Hereditary Cancer Syndrome; Hereditary neoplastic syndrome. Identifiers: Orphanet 140162, MedGen C0027672, MeSH D009386, MONDO:0015356.
Hereditary breast ovarian cancer syndrome. Also called: Hereditary breast and/or ovarian cancer syndrome; Hereditary breast and ovarian cancer; Hereditary breast and ovarian cancer syndrome; Hereditary breast and ovarian cancer syndrome (HBOC); Breast and ovarian cancer; BRCA1- and BRCA2-Associated Hereditary Breast and Ovarian Cancer. Identifiers: Orphanet 145, MedGen C0677776, MeSH D061325, MONDO:0003582. Disease mechanism: loss of function.
Breast-ovarian cancer, familial, susceptibility to, 2 (BROVCA2). Also called: BRCA2 Hereditary Breast and Ovarian Cancer. Identifiers: Orphanet 145, MedGen C2675520, MONDO:0012933, OMIM 612555. Disease mechanism: loss of function.

Allele frequency attached by ClinVar (database versions not stated): ExAC 0.00001; gnomAD exomes below 0.00001.

Submissions (5):

Myriad Genetics, Inc.
Classification: Likely benign for Breast-ovarian cancer, familial, susceptibility to, 2. Last evaluated: 2026-03-24. Review status: criteria provided, single submitter. Criteria: Myriad Autosomal Dominant, Autosomal Recessive and X-Linked Classification Criteria (2023). Collection method: clinical testing. Allele origin: unknown.
Comment: This variant is considered likely benign. This variant is strongly associated with less severe personal and family histories of cancer, typical for individuals without pathogenic variants in this gene [PMID: 25085752].

Labcorp Genetics (formerly Invitae), Labcorp
Classification: Uncertain significance for Hereditary breast ovarian cancer syndrome. Last evaluated: 2024-10-15. Review status: criteria provided, single submitter. Criteria: Invitae Variant Classification Sherloc (09022015). Collection method: clinical testing. Allele origin: germline.
Comment: This variant, c.4216_4218del, results in the deletion of 1 amino acid(s) of the BRCA2 protein (p.Lys1406del), but otherwise preserves the integrity of the reading frame. This variant is present in population databases (rs758636052, gnomAD 0.0009%). This variant has not been reported in the literature in individuals affected with BRCA2-related conditions. ClinVar contains an entry for this variant (Variation ID: 186334). Experimental studies and prediction algorithms are not available or were not evaluated, and the functional significance of this variant is currently unknown. In summary, the available evidence is currently insufficient to determine the role of this variant in disease. Therefore, it has been classified as a Variant of Uncertain Significance.

Ambry Genetics
Classification: Uncertain significance for Hereditary cancer-predisposing syndrome. Last evaluated: 2024-08-07. Review status: criteria provided, single submitter. Criteria: Ambry Variant Classification Scheme 2023. Collection method: clinical testing. Allele origin: germline.
Comment: The c.4216_4218delAAA variant (also known as p.K1406del) is located in coding exon 10 of the BRCA2 gene. This variant results from an in-frame AAA deletion at nucleotide positions 4216 to 4218. This results in the in-frame deletion of a lysine at codon 1406. This amino acid position is not well conserved in available vertebrate species. In addition, this alteration is predicted to be deleterious by in silico analysis (Choi Y et al. PLoS ONE. 2012; 7(10):e46688). Since supporting evidence is limited at this time, the clinical significance of this alteration remains unclear.

GeneDx
Classification: Uncertain significance. Last evaluated: 2015-10-06. Review status: criteria provided, single submitter. Criteria: GeneDx Variant Classification (06012015). Collection method: clinical testing. Allele origin: germline. Affected: yes.
Comment: This in-frame deletion of 3 nucleotides in BRCA2 is denoted c.4216_4218delAAA at the cDNA level and p.Lys1406del (K1406del) at the protein level. Using alternate nomenclature, this variant would be described as BRCA2 4444_4446delAAA. The normal sequence, with the bases that are deleted in braces, is AAAT[AAA]GAAC. This deletion of a single Lysine residue occurs at a position that is not conserved and is within the region of interaction with POLH (UniProt). This variant has not, to our knowledge, been published in the literature as being pathogenic or benign. Since in-frame deletions may or may not inhibit proper protein functioning, the clinical significance of this finding remains unclear at this time and we consider BRCA2 Lys1406del to be a variant of uncertain significance.

Counsyl
Classification: Uncertain significance for Breast-ovarian cancer, familial, susceptibility to, 2. Last evaluated: 2018-01-24. Review status: no assertion criteria provided. Collection method: clinical testing. Allele origin: unknown. Not counted in ClinVar's aggregate classification.

Literature cited by the submitters: PubMed 25085752 (cited by Myriad Genetics, Inc.).

NM_000059.4(BRCA2):c.4216_4218del (p.Lys1406del)

Gene: BRCA2 (BRCA2 DNA repair associated; plus strand). Cytogenetic location: 13q13.1.
Variant type: Deletion.
Coding change: c.4216_4218del on transcript NM_000059.4 (MANE Select); coding-DNA positions 4216 to 4218, 3 bases deleted (AAA; older notation c.4216_4218delAAA).
Protein change: p.Lys1406del; deletes lysine 1406.
Molecular consequence: inframe deletion.
Genome position (GRCh38, 1-based): chr13:32,338,571-32,338,573, AAA deleted. VCF-style (leftmost placement, unchanged base first): chr13-32338570-TAAA-T. GRCh37 (hg19) VCF-style: chr13-32912707-TAAA-T.
Other names: c.4216_4218delAAA (NM_000059.3); short protein forms K1406del.
Identifiers: ClinVar variation 186334 (VCV000186334.16), dbSNP rs758636052, ClinGen allele CA019735.